The following is an entry in ClinVar:

NM_001323289.2(CDKL5):c.1555T>C (p.Ser519Pro)

Gene: CDKL5 (cyclin dependent kinase like 5; plus strand). Cytogenetic location: Xp22.13.
Variant type: single nucleotide variant.
Coding change: c.1555T>C on transcript NM_001323289.2 (MANE Select); coding-DNA position 1555, T replaced by C.
Protein change: p.Ser519Pro; replaces serine 519 with proline.
Molecular consequence: missense variant.
Genome position (GRCh38, 1-based): chrX:18,604,479, T>C. VCF-style: chrX-18604479-T-C. GRCh37 (hg19) VCF-style: chrX-18622599-T-C.
Other names: c.1555T>C, p.Ser519Pro (NM_001037343.2, NM_003159.3); short protein forms S519P.
Identifiers: ClinVar variation 2632642 (VCV002632642.1), dbSNP rs2518874778, ClinGen allele CA412361594.

ClinVar aggregate classification (germline): Uncertain significance (1 of 4 stars; one submission).

Conditions:
CDKL5-related disorder.

Submission:

PreventionGenetics, part of Exact Sciences
Classification: Uncertain significance for CDKL5-related condition. Last evaluated: 2023-07-12. Review status: criteria provided, single submitter. Criteria: ACMG Guidelines, 2015. Collection method: clinical testing. Allele origin: germline.
Comment: The CDKL5 c.1555T>C variant is predicted to result in the amino acid substitution p.Ser519Pro. To our knowledge, this variant has not been reported in the literature or in a large population database, indicating this variant is rare. At this time, the clinical significance of this variant is uncertain due to the absence of conclusive functional and genetic evidence.